The following is an entry in ClinVar:

NM_014140.4(SMARCAL1):c.2699T>C (p.Leu900Pro)

Gene: SMARCAL1 (SNF2 related chromatin remodeling annealing helicase 1; plus strand). Cytogenetic location: 2q35.
Variant type: single nucleotide variant.
Coding change: c.2699T>C on transcript NM_014140.4 (MANE Select); coding-DNA position 2699, T replaced by C.
Protein change: p.Leu900Pro; replaces leucine 900 with proline.
Molecular consequence: missense variant.
Genome position (GRCh38, 1-based): chr2:216,482,811, T>C. VCF-style: chr2-216482811-T-C. GRCh37 (hg19) VCF-style: chr2-217347534-T-C.
Other names: c.2699T>C, p.Leu900Pro (NM_001127207.2); short protein forms L900P.
Identifiers: ClinVar variation 2414036 (VCV002414036.3), dbSNP rs572658323, ClinGen allele CA2098289.

ClinVar aggregate classification (germline): Uncertain significance (1 of 4 stars; one submission).

Conditions:
Schimke immuno-osseous dysplasia (SIOD). Also called: Schimke Immunoosseous Dysplasia. Identifiers: Orphanet 1830, MedGen C0877024, MONDO:0009458, OMIM 242900.

Allele frequency attached by ClinVar (database versions not stated): gnomAD exomes below 0.00001; ExAC 0.00001; gnomAD 0.00001; 1000 Genomes Project 0.00020; 1000 Genomes Project 30x 0.00031.
gnomAD v4.1: 5 of 1,614,186 alleles (0.00031%); highest among the groups gnomAD compares: Non-Finnish European, 0.00034%; no homozygotes.

Submission:

Labcorp Genetics (formerly Invitae), Labcorp
Classification: Uncertain significance for Schimke immuno-osseous dysplasia. Last evaluated: 2022-02-23. Review status: criteria provided, single submitter. Criteria: Invitae Variant Classification Sherloc (09022015). Collection method: clinical testing. Allele origin: germline.
Comment: This sequence change replaces leucine, which is neutral and non-polar, with proline, which is neutral and non-polar, at codon 900 of the SMARCAL1 protein (p.Leu900Pro). This variant is present in population databases (rs572658323, gnomAD 0.0009%). This variant has not been reported in the literature in individuals affected with SMARCAL1-related conditions. Algorithms developed to predict the effect of missense changes on protein structure and function are either unavailable or do not agree on the potential impact of this missense change (SIFT: "Tolerated"; PolyPhen-2: "Probably Damaging"; Align-GVGD: "Class C0"). In summary, the available evidence is currently insufficient to determine the role of this variant in disease. Therefore, it has been classified as a Variant of Uncertain Significance.